The following is an entry in ClinVar:

NM_001148.6(ANK2):c.6769C>A (p.Gln2257Lys)

Gene: ANK2 (ankyrin 2; plus strand). Cytogenetic location: 4q26.
Variant type: single nucleotide variant.
Coding change: c.6769C>A on transcript NM_001148.6 (MANE Select); coding-DNA position 6769, C replaced by A.
Protein change: p.Gln2257Lys; replaces glutamine 2257 with lysine.
Molecular consequence: missense variant. On other transcripts: intron variant (68).
Genome position (GRCh38, 1-based): chr4:113,355,387, C>A. VCF-style: chr4-113355387-C-A. GRCh37 (hg19) VCF-style: chr4-114276543-C-A.
Other names: c.6535C>A, p.Gln2179Lys (NM_001386142.1); c.3169C>A, p.Gln1057Lys (NM_001386166.1); c.6910C>A, p.Gln2304Lys (NM_001386174.1); c.6886C>A, p.Gln2296Lys (NM_001386175.1); c.4411+5138C>A (NM_001386186.2, NM_001386148.2); c.4213+5138C>A (NM_001354269.3); c.4291+5138C>A (NM_001386187.2); c.4252+5138C>A (NM_001386147.1); and 35 more; short protein forms Q2257K, Q1057K, Q2179K, Q2296K, Q2304K.
Identifiers: ClinVar variation 573809 (VCV000573809.5), dbSNP rs747833774, ClinGen allele CA3051469.

ClinVar aggregate classification (germline): Uncertain significance (1 of 4 stars; one submission).

Conditions:
Long QT syndrome (LQTS). Identifiers: MedGen C0023976, MeSH D008133, MONDO:0002442. Disease mechanism: loss of function. Inheritance: Various modes of inheritance.

Allele frequency attached by ClinVar (database versions not stated): gnomAD exomes below 0.00001; ExAC 0.00001; gnomAD 0.00003.
gnomAD v4.1: 2 of 1,613,886 alleles (0.00012%); no homozygotes.

Submission:

Labcorp Genetics (formerly Invitae), Labcorp
Classification: Uncertain significance for Long QT syndrome. Last evaluated: 2018-03-23. Review status: criteria provided, single submitter. Criteria: Invitae Variant Classification Sherloc (09022015). Collection method: clinical testing. Allele origin: germline.
Comment: Algorithms developed to predict the effect of missense changes on protein structure and function output the following: SIFT: "Tolerated"; PolyPhen-2: "Benign"; Align-GVGD: "Class C0". The lysine amino acid residue is found in multiple mammalian species, suggesting that this missense change does not adversely affect protein function. These predictions have not been confirmed by published functional studies and their clinical significance is uncertain. This variant has not been reported in the literature in individuals with ANK2-related disease. This variant is present in population databases (rs747833774, ExAC 0.002%). This sequence change replaces glutamine with lysine at codon 2257 of the ANK2 protein (p.Gln2257Lys). The glutamine residue is weakly conserved and there is a small physicochemical difference between glutamine and lysine. In summary, the available evidence is currently insufficient to determine the role of this variant in disease. Therefore, it has been classified as a Variant of Uncertain Significance.